The following is an entry in ClinVar:

ClinVar aggregate classification (germline): Likely benign (0 of 4 stars; one submission).

Conditions:
PABPC1-related condition.

Submission:

PreventionGenetics, part of Exact Sciences
Classification: Likely benign for PABPC1-related condition. Last evaluated: 2024-09-16. Review status: no assertion criteria provided. Collection method: clinical testing. Allele origin: germline.
Comment: This variant is classified as likely benign based on ACMG/AMP sequence variant interpretation guidelines (Richards et al. 2015 PMID: 25741868, with internal and published modifications).

NM_002568.4(PABPC1):c.1176T>G (p.Val392=)

Gene: PABPC1 (poly(A) binding protein cytoplasmic 1; minus strand). Cytogenetic location: 8q22.3.
Variant type: single nucleotide variant.
Coding change: c.1176T>G on transcript NM_002568.4 (MANE Select); coding-DNA position 1176, T replaced by G.
Protein change: p.Val392=; no amino-acid change (valine 392 retained).
Molecular consequence: synonymous variant.
Genome position (GRCh38, 1-based): chr8:100,709,528, A>C on the plus strand (T>G on the coding strand, the complement: PABPC1 is on the minus strand). VCF-style: chr8-100709528-A-C. GRCh37 (hg19) VCF-style: chr8-101721756-A-C.
Identifiers: ClinVar variation 3356114 (VCV003356114.1).
Genomic context (GRCh38, chr8:100,709,528, plus strand): 5'-AGCTGCCATGAAGTAACCTGAAGGAGGTGCTGGCTGGTAGGGGTTGATTACAGGGTTGGG[A>C]ACAGCTCGTACACTTGCCATTCTCTGCATATACTGGTTAGTGAGGTGAGCCTGGCGCTCT-3'
Protein context (NP_002559.2, residues 382-402): YMQRMASVRA[Val392=]PNPVINPYQP